The following is an entry in ClinVar:

NM_017882.3(CLN6):c.482C>T (p.Thr161Met)

Gene: CLN6 (CLN6 transmembrane ER protein; minus strand). Cytogenetic location: 15q23.
Variant type: single nucleotide variant.
Coding change: c.482C>T on transcript NM_017882.3 (MANE Select); coding-DNA position 482, C replaced by T.
Protein change: p.Thr161Met; replaces threonine 161 with methionine.
Molecular consequence: missense variant.
Genome position (GRCh38, 1-based): chr15:68,211,679, G>A on the plus strand (C>T on the coding strand, the complement: CLN6 is on the minus strand). VCF-style: chr15-68211679-G-A. GRCh37 (hg19) VCF-style: chr15-68504017-G-A.
Other names: short protein forms T161M.
Identifiers: ClinVar variation 452272 (VCV000452272.9), dbSNP rs757734645, ClinGen allele CA7630604.

ClinVar aggregate classification (germline): Uncertain significance. Review status: criteria provided, multiple submitters, no conflicts (2 of 4 stars). 5 submissions from 4 submitters: Uncertain significance (5). Last evaluated 2025-10-17.

Conditions:
Ceroid lipofuscinosis, neuronal, 6A. Also called: CLN6-Related Neuronal Ceroid-Lipofuscinosis; Neuronal ceroid lipofuscinosis, late infantile, variant; Neuronal ceroid lipofuscinosis, Gypsy/Indian early juvenile variant; Neuronal ceroid lipofuscinosis 6. Identifiers: Orphanet 168491, Orphanet 228363, MedGen C5551375, MONDO:0011144, OMIM 601780.
Ceroid lipofuscinosis, neuronal, 6B (Kufs type). Also called: Neuronal ceroid lipofuscinosis 4A. Identifiers: Orphanet 700477, MedGen C5561927, MONDO:0008768, OMIM 204300.
Inborn genetic diseases. Identifiers: MedGen C0950123, MeSH D030342.
Adult neuronal ceroid lipofuscinosis. Also called: Kufs disease. Identifiers: Orphanet 228340, Orphanet 79262, MedGen C0022797, MONDO:0019260.
Neuronal ceroid lipofuscinosis. Also called: Neuronal Ceroid Lipofuscinoses. Identifiers: Orphanet 216, Orphanet 79263, MedGen C0027877, MONDO:0016295. Disease mechanism: loss of function.

Allele frequency attached by ClinVar (database versions not stated): ExAC 0.00002; gnomAD 0.00002; gnomAD exomes 0.00002; TOPMed 0.00002.
gnomAD v4.1: 35 of 1,613,442 alleles (0.0022%); highest among the groups gnomAD compares: East Asian, 0.0045%; no homozygotes.

Submissions (5):

Ambry Genetics
Classification: Uncertain significance for Inborn genetic diseases. Last evaluated: 2025-10-17. Review status: criteria provided, single submitter. Criteria: Ambry Variant Classification Scheme 2023. Collection method: clinical testing. Allele origin: germline.

Labcorp Genetics (formerly Invitae), Labcorp
Classification: Uncertain significance for Neuronal ceroid lipofuscinosis. Last evaluated: 2022-06-11. Review status: criteria provided, single submitter. Criteria: Invitae Variant Classification Sherloc (09022015). Collection method: clinical testing. Allele origin: germline.
Comment: This sequence change replaces threonine, which is neutral and polar, with methionine, which is neutral and non-polar, at codon 161 of the CLN6 protein (p.Thr161Met). This variant is present in population databases (rs757734645, gnomAD 0.004%). This variant has not been reported in the literature in individuals affected with CLN6-related conditions. ClinVar contains an entry for this variant (Variation ID: 452272). Algorithms developed to predict the effect of missense changes on protein structure and function are either unavailable or do not agree on the potential impact of this missense change (SIFT: "Deleterious"; PolyPhen-2: "Possibly Damaging"; Align-GVGD: "Class C15"). In summary, the available evidence is currently insufficient to determine the role of this variant in disease. Therefore, it has been classified as a Variant of Uncertain Significance.

Center for Genomics, Ann and Robert H. Lurie Children's Hospital of Chicago
Classification: Uncertain significance for Ceroid lipofuscinosis, neuronal, 6B (Kufs type); Ceroid lipofuscinosis, neuronal, 6A. Last evaluated: 2021-03-30. Review status: criteria provided, single submitter. Criteria: ACMG Guidelines, 2015. Collection method: clinical testing. Allele origin: germline.
Comment: CLN6 NM_017882 exon 4 p.Thr161Met (c.482C>T): This variant has not been reported in the literature but is present in 4/111698 European alleles in the Genome Aggregation Database. Evolutionary conservation and computational predictive tools for this variant are unclear. In summary, data on this variant is insufficient for disease classification. Therefore, the clinical significance of this variant is uncertain.

Center for Genomics, Ann and Robert H. Lurie Children's Hospital of Chicago
Classification: Uncertain significance for Ceroid lipofuscinosis, neuronal, 6A; Ceroid lipofuscinosis, neuronal, 6B (Kufs type). Last evaluated: 2017-11-30. Review status: criteria provided, single submitter. Criteria: ACMG Guidelines, 2015. Collection method: clinical testing. Allele origin: germline.
Comment: CLN6 NM_017882.2 exon 4 p.Thr161Met (c.482C>T): This variant has not been reported in the literature but is present in 4/111698 European alleles in the Genome Aggregation Database. Evolutionary conservation and computational predictive tools for this variant are unclear. In summary, data on this variant is insufficient for disease classification. Therefore, the clinical significance of this variant is uncertain.

GeneDx
Classification: Uncertain significance. Last evaluated: 2017-09-22. Review status: criteria provided, single submitter. Criteria: GeneDx Variant Classification (06012015). Collection method: clinical testing. Allele origin: germline. Affected: yes.
Comment: A variant of uncertain significance has been identified in the CLN6 gene. The T161M variant has not been published as a pathogenic variant, nor has it been reported as a benign variant to our knowledge. The T161M variant is not observed at a significant frequency in large population cohorts (Lek et al., 2016). The T161M variant is a non-conservative amino acid substitution, which is likely to impact secondary protein structure as these residues differ in polarity, charge, size and/or other properties. In silico analysis predicts this variant is probably damaging to the protein structure/function. However, this substitution occurs at a position where amino acids with similar properties to Threonine are tolerated across species. Therefore, based on the currently available information, it is unclear whether this variant is a pathogenic variant or a rare benign variant.